The following is an entry in ClinVar:

NM_000135.4(FANCA):c.218C>T (p.Ser73Phe)

Gene: FANCA (FA complementation group A; minus strand). Cytogenetic location: 16q24.3.
Variant type: single nucleotide variant.
Coding change: c.218C>T on transcript NM_000135.4 (MANE Select); coding-DNA position 218, C replaced by T.
Protein change: p.Ser73Phe; replaces serine 73 with phenylalanine.
Molecular consequence: missense variant.
Genome position (GRCh38, 1-based): chr16:89,814,585, G>A on the plus strand (C>T on the coding strand, the complement: FANCA is on the minus strand). VCF-style: chr16-89814585-G-A. GRCh37 (hg19) VCF-style: chr16-89880993-G-A.
Other names: c.218C>T, p.Ser73Phe (NM_001018112.3, NM_001286167.3, NM_001351830.2); short protein forms S73F.
Identifiers: ClinVar variation 1902253 (VCV001902253.2), dbSNP rs1268725763, ClinGen allele CA397482560.

ClinVar aggregate classification (germline): Uncertain significance (1 of 4 stars; one submission).

Conditions:
Fanconi anemia (FA). Also called: Fanconi's anemia. Identifiers: Orphanet 84, MedGen C0015625, MeSH D005199, MONDO:0019391.

Allele frequency attached by ClinVar (database versions not stated): gnomAD exomes 0.00002.
gnomAD v4.1: 26 of 1,613,852 alleles (0.0016%); highest among the groups gnomAD compares: Middle Eastern, 0.017%; no homozygotes.

Submission:

Labcorp Genetics (formerly Invitae), Labcorp
Classification: Uncertain significance for Fanconi anemia. Last evaluated: 2022-09-28. Review status: criteria provided, single submitter. Criteria: Invitae Variant Classification Sherloc (09022015). Collection method: clinical testing. Allele origin: germline.
Comment: This sequence change replaces serine, which is neutral and polar, with phenylalanine, which is neutral and non-polar, at codon 73 of the FANCA protein (p.Ser73Phe). This variant is not present in population databases (gnomAD no frequency). This variant has not been reported in the literature in individuals affected with FANCA-related conditions. Advanced modeling of protein sequence and biophysical properties (such as structural, functional, and spatial information, amino acid conservation, physicochemical variation, residue mobility, and thermodynamic stability) performed at Invitae indicates that this missense variant is not expected to disrupt FANCA protein function. In summary, the available evidence is currently insufficient to determine the role of this variant in disease. Therefore, it has been classified as a Variant of Uncertain Significance.